The following is an entry in ClinVar:

ClinVar aggregate classification (germline): Uncertain significance (1 of 4 stars; one submission).

Submission:

Labcorp Genetics (formerly Invitae), Labcorp
Classification: Uncertain significance. Last evaluated: 2024-11-18. Review status: criteria provided, single submitter. Criteria: Invitae Variant Classification Sherloc (09022015). Collection method: clinical testing. Allele origin: germline.
Comment: This sequence change replaces valine, which is neutral and non-polar, with leucine, which is neutral and non-polar, at codon 102 of the LRP5 protein (p.Val102Leu). This variant is not present in population databases (gnomAD no frequency). This variant has not been reported in the literature in individuals affected with LRP5-related conditions. Invitae Evidence Modeling of protein sequence and biophysical properties (such as structural, functional, and spatial information, amino acid conservation, physicochemical variation, residue mobility, and thermodynamic stability) indicates that this missense variant is not expected to disrupt LRP5 protein function with a negative predictive value of 95%. In summary, the available evidence is currently insufficient to determine the role of this variant in disease. Therefore, it has been classified as a Variant of Uncertain Significance.

NM_002335.4(LRP5):c.304G>C (p.Val102Leu)

Gene: LRP5 (LDL receptor related protein 5; plus strand). Cytogenetic location: 11q13.2.
Variant type: single nucleotide variant.
Coding change: c.304G>C on transcript NM_002335.4 (MANE Select); coding-DNA position 304, G replaced by C.
Protein change: p.Val102Leu; replaces valine 102 with leucine.
Molecular consequence: missense variant. On other transcripts: 5 prime UTR variant (1).
Genome position (GRCh38, 1-based): chr11:68,348,059, G>C. VCF-style: chr11-68348059-G-C. GRCh37 (hg19) VCF-style: chr11-68115527-G-C.
Other names: c.-1462G>C (NM_001291902.2); short protein forms V102L.
Identifiers: ClinVar variation 3634224 (VCV003634224.2).